The following is an entry in ClinVar:

NM_004722.4(AP4M1):c.750C>A (p.Val250=)

Gene: AP4M1 (adaptor related protein complex 4 subunit mu 1; plus strand). Cytogenetic location: 7q22.1.
Variant type: single nucleotide variant.
Coding change: c.750C>A on transcript NM_004722.4 (MANE Select); coding-DNA position 750, C replaced by A.
Protein change: p.Val250=; no amino-acid change (valine 250 retained).
Molecular consequence: synonymous variant.
Genome position (GRCh38, 1-based): chr7:100,105,262, C>A. VCF-style: chr7-100105262-C-A. GRCh37 (hg19) VCF-style: chr7-99702885-C-A.
Other names: c.771C>A, p.Val257= (NM_001363671.2).
Identifiers: ClinVar variation 2076363 (VCV002076363.5), dbSNP rs752745814, ClinGen allele CA4374788.

ClinVar aggregate classification (germline): Conflicting classifications of pathogenicity. Review status: criteria provided, conflicting classifications (1 of 4 stars). 2 submissions from 2 submitters: Uncertain significance (1); Likely benign (1). Last evaluated 2023-02-08.

Conditions:
Hereditary spastic paraplegia 50 (SPG50). Also called: Spastic paraplegia 50, autosomal recessive. Identifiers: Orphanet 280763, MedGen C2752008, MONDO:0013048, OMIM 612936.

gnomAD v4.1: 3 of 1,614,074 alleles (0.00019%); highest among the groups gnomAD compares: African/African-American, 0.0013%; no homozygotes.

Submissions (2):

Greenwood Genetic Center Diagnostic Laboratories, Greenwood Genetic Center
Classification: Uncertain significance. Last evaluated: 2023-02-08. Review status: criteria provided, single submitter. Criteria: ACMG Guidelines, 2015. Collection method: clinical testing. Allele origin: germline. Affected: yes.
Comment: PM2, BP4

Labcorp Genetics (formerly Invitae), Labcorp
Classification: Likely benign for Hereditary spastic paraplegia 50. Last evaluated: 2022-12-01. Review status: criteria provided, single submitter. Criteria: Invitae Variant Classification Sherloc (09022015). Collection method: clinical testing. Allele origin: germline.